The following is an entry in ClinVar:

ClinVar aggregate classification (germline): Uncertain significance. Review status: criteria provided, multiple submitters, no conflicts (2 of 4 stars). 2 submissions from 2 submitters: Uncertain significance (2). Last evaluated 2024-02-17.

Conditions:
Epilepsy, familial focal, with variable foci 3 (FFEVF3). Identifiers: MedGen C4310708, MONDO:0014925, OMIM 617118.

Allele frequency attached by ClinVar (database versions not stated): TOPMed 0.00002.

Submissions (2):

Labcorp Genetics (formerly Invitae), Labcorp
Classification: Uncertain significance for Epilepsy, familial focal, with variable foci 3. Last evaluated: 2024-02-17. Review status: criteria provided, single submitter. Criteria: Invitae Variant Classification Sherloc (09022015). Collection method: clinical testing. Allele origin: germline.
Comment: This sequence change replaces valine with alanine at codon 126 of the NPRL3 protein (p.Val126Ala). The valine residue is moderately conserved and there is a small physicochemical difference between valine and alanine. This variant is not present in population databases (gnomAD no frequency). This variant has not been reported in the literature in individuals affected with NPRL3-related conditions. ClinVar contains an entry for this variant (Variation ID: 1309101). Experimental studies and prediction algorithms are not available or were not evaluated, and the functional significance of this variant is currently unknown. In summary, the available evidence is currently insufficient to determine the role of this variant in disease. Therefore, it has been classified as a Variant of Uncertain Significance.

GeneDx
Classification: Uncertain significance. Last evaluated: 2019-10-11. Review status: criteria provided, single submitter. Criteria: GeneDx Variant Classification Process June 2021. Collection method: clinical testing. Allele origin: germline. Affected: yes.
Comment: Not observed in large population cohorts (Lek et al., 2016); In silico analysis, which includes protein predictors and evolutionary conservation, supports a deleterious effect; Has not been previously published as pathogenic or benign to our knowledge

NM_001077350.3(NPRL3):c.377T>C (p.Val126Ala)

Genes: HBA-LCR (alpha-globin locus control region; plus strand), NPRL3 (NPR3 like, GATOR1 complex subunit; minus strand). Cytogenetic location: 16p13.3.
Variant type: single nucleotide variant.
Coding change: c.377T>C on transcript NM_001077350.3 (MANE Select); coding-DNA position 377, T replaced by C.
Protein change: p.Val126Ala; replaces valine 126 with alanine.
Molecular consequence: missense variant. On other transcripts: intron variant (3).
Genome position (GRCh38, 1-based): chr16:117,317, A>G on the plus strand (T>C on the coding strand, the complement: NPRL3 is on the minus strand). VCF-style: chr16-117317-A-G. GRCh37 (hg19) VCF-style: chr16-167316-A-G.
Other names: c.143T>C, p.Val48Ala (NM_001243247.2); c.318+1809T>C (NM_001243248.2, NM_001243249.2); c.-144-4542T>C (NM_001039476.3); short protein forms V126A, V48A.
Identifiers: ClinVar variation 1309101 (VCV001309101.7), dbSNP rs1024335545, ClinGen allele CA276418648.